The following is an entry in ClinVar:

NM_001365999.1(SZT2):c.4457A>C (p.Glu1486Ala)

Gene: SZT2 (SZT2 subunit of KICSTOR complex; plus strand). Cytogenetic location: 1p34.2.
Variant type: single nucleotide variant.
Coding change: c.4457A>C on transcript NM_001365999.1 (MANE Select); coding-DNA position 4457, A replaced by C.
Protein change: p.Glu1486Ala; replaces glutamic acid 1486 with alanine.
Molecular consequence: missense variant.
Genome position (GRCh38, 1-based): chr1:43,430,366, A>C. VCF-style: chr1-43430366-A-C. GRCh37 (hg19) VCF-style: chr1-43896037-A-C.
Other names: c.4286A>C, p.Glu1429Ala (NM_015284.4); short protein forms E1429A, E1486A.
Identifiers: ClinVar variation 411929 (VCV000411929.10), dbSNP rs1060503546, ClinGen allele CA16610099.
Genomic context (GRCh38, chr1:43,430,366, plus strand): 5'-CCTAGGATGAGGGGCCTCGGGACACAGTAGACAGAAAAATCAGTGACCTGGAGTTTTCAG[A>C]GGCTGAGCTTATGGGAGAAGAAGGTATGTGGGCAAGTGAGTCAAGGTGGGGAAGGCTGGC-3'
Protein context (NP_001352928.1, residues 1476-1496): DRKISDLEFS[Glu1486Ala]AELMGEEGDT

ClinVar aggregate classification (germline): Uncertain significance (1 of 4 stars; one submission).

Submission:

Labcorp Genetics (formerly Invitae), Labcorp
Classification: Uncertain significance. Last evaluated: 2020-03-06. Review status: criteria provided, single submitter. Criteria: Invitae Variant Classification Sherloc (09022015). Collection method: clinical testing. Allele origin: germline.
Comment: This sequence change replaces glutamic acid with alanine at codon 1429 of the SZT2 protein (p.Glu1429Ala). The glutamic acid residue is highly conserved and there is a moderate physicochemical difference between glutamic acid and alanine. In summary, this variant is a novel missense change with uncertain impact on protein function. It has been classified as a Variant of Uncertain Significance. Algorithms developed to predict the effect of missense changes on protein structure and function do not agree on the potential impact of this missense change (SIFT: "Tolerated"; PolyPhen-2: "Possibly Damaging"; Align-GVGD: "Class C0"). This variant is not present in population databases (ExAC no frequency) and has not been reported in the literature in individuals with a SZT2-related disease.